The following is an entry in ClinVar:

ClinVar aggregate classification (germline): Conflicting classifications of pathogenicity. Review status: criteria provided, conflicting classifications (1 of 4 stars). 8 submissions from 8 submitters: Uncertain significance (1); Benign (2); Likely benign (3). 2 of the submissions do not count toward it. Last evaluated 2026-08-01.

Conditions:
SGSH-related disorder. Also called: SGSH-related condition.
Mucopolysaccharidosis, MPS-III-A (MPS3A). Also called: Mucopolysaccharidosis, type IIIA; Mucopolysaccharidosis type IIIA (Sanfilippo A); SANFILIPPO SYNDROME A; SULFAMIDASE DEFICIENCY; mucopolysaccharidosis type 3A; MPS III A. Identifiers: Orphanet 581, Orphanet 79269, MedGen C0086647, MONDO:0009655, OMIM 252900.

Allele frequency attached by ClinVar (database versions not stated): 1000 Genomes Project 30x 0.00016; 1000 Genomes Project 0.00020; gnomAD exomes 0.00080 and 0.00157; ESP Exome Variant Server 0.00092; gnomAD 0.00108 and 0.00113; TOPMed 0.00116; ExAC 0.00123.
gnomAD v4.1: 1,423 of 1,602,278 alleles (0.089%); highest among the groups gnomAD compares: Middle Eastern, 0.099%; 16 homozygotes.

Submissions (8):

CeGaT Center for Human Genetics Tuebingen
Classification: Likely benign. Last evaluated: 2026-08-01. Review status: criteria provided, single submitter. Criteria: CeGaT Center For Human Genetics Tuebingen Variant Classification Criteria Version 2. Collection method: clinical testing. Allele origin: germline. Affected: yes. Observed: 2 variant alleles.
Comment: SGSH: BP4, BP7

Labcorp Genetics (formerly Invitae), Labcorp
Classification: Benign for Mucopolysaccharidosis, MPS-III-A. Last evaluated: 2026-02-04. Review status: criteria provided, single submitter. Criteria: Invitae Variant Classification Sherloc (09022015). Collection method: clinical testing. Allele origin: germline.

Mayo Clinic Laboratories, Mayo Clinic
Classification: Benign. Last evaluated: 2025-08-06. Review status: criteria provided, single submitter. Criteria: ACMG Guidelines, 2015. Collection method: clinical testing. Allele origin: germline. Observed: 1 variant allele.
Comment: BA1, BP4, BP7

Genome-Nilou Lab
Classification: Likely benign for Mucopolysaccharidosis, MPS-III-A. Last evaluated: 2021-11-07. Review status: criteria provided, single submitter. Criteria: ACMG Guidelines, 2015. Collection method: clinical testing. Allele origin: germline. Affected: no.

Illumina Laboratory Services, Illumina
Classification: Uncertain significance for Mucopolysaccharidosis, MPS-III-A. Last evaluated: 2018-01-12. Review status: criteria provided, single submitter. Criteria: ICSL Variant Classification Criteria 13 December 2019. Collection method: clinical testing. Allele origin: germline.

Eurofins Ntd Llc (ga)
Classification: Likely benign. Last evaluated: 2016-05-20. Review status: criteria provided, single submitter. Criteria: EGL Classification Definitions 2015. Collection method: clinical testing. Allele origin: germline. Observed: 1 variant allele, 1 heterozygote.

PreventionGenetics, part of Exact Sciences
Classification: Benign for SGSH-related condition. Last evaluated: 2020-12-24. Review status: no assertion criteria provided. Collection method: clinical testing. Allele origin: germline. Not counted in ClinVar's aggregate classification.
Comment: This variant is classified as benign based on ACMG/AMP sequence variant interpretation guidelines (Richards et al. 2015 PMID: 25741868, with internal and published modifications).

Natera, Inc.
Classification: Benign for Mucopolysaccharidosis type IIIA. Last evaluated: 2020-09-16. Review status: no assertion criteria provided. Collection method: clinical testing. Allele origin: germline. Not counted in ClinVar's aggregate classification.

NM_000199.5(SGSH):c.1002C>T (p.Ala334=)

Gene: SGSH (N-sulfoglucosamine sulfohydrolase; minus strand). Cytogenetic location: 17q25.3.
Variant type: single nucleotide variant.
Coding change: c.1002C>T on transcript NM_000199.5 (MANE Select); coding-DNA position 1002, C replaced by T.
Protein change: p.Ala334=; no amino-acid change (alanine 334 retained).
Molecular consequence: synonymous variant. On other transcripts: 3 prime UTR variant (2), non-coding transcript variant (1).
Genome position (GRCh38, 1-based): chr17:80,210,959, G>A on the plus strand (C>T on the coding strand, the complement: SGSH is on the minus strand). VCF-style: chr17-80210959-G-A. GRCh37 (hg19) VCF-style: chr17-78184758-G-A.
Other names: p.Ala334=; c.*89C>T (NM_001352921.3); c.*52C>T (NM_001352922.2).
Identifiers: ClinVar variation 255512 (VCV000255512.31), dbSNP rs145596938, ClinGen allele CA8817698.